The following is an entry in ClinVar:

NM_003901.4(SGPL1):c.1261A>G (p.Lys421Glu)

Gene: SGPL1 (sphingosine-1-phosphate lyase 1; plus strand). Cytogenetic location: 10q22.1.
Variant type: single nucleotide variant.
Coding change: c.1261A>G on transcript NM_003901.4 (MANE Select); coding-DNA position 1261, A replaced by G.
Protein change: p.Lys421Glu; replaces lysine 421 with glutamic acid.
Molecular consequence: missense variant.
Genome position (GRCh38, 1-based): chr10:70,873,552, A>G. VCF-style: chr10-70873552-A-G. GRCh37 (hg19) VCF-style: chr10-72633309-A-G.
Other names: short protein forms K421E.
Identifiers: ClinVar variation 2414162 (VCV002414162.5), dbSNP rs147607292, ClinGen allele CA5541412.
Genomic context (GRCh38, chr10:70,873,552, plus strand): 5'-AGCGCAGCCTGTTGGGCTGCCTTGATGCACTTCGGTGAGAACGGCTATGTTGAAGCTACC[A>G]AACAGATCATCAAAACTGCTCGCTTCCTCAAGTCAGAGTATGTGTGGAAGACTGGGGTTC-3'
Protein context (NP_003892.2, residues 411-431): FGENGYVEAT[Lys421Glu]QIIKTARFLK

ClinVar aggregate classification (germline): Uncertain significance (1 of 4 stars; one submission).

Allele frequency attached by ClinVar (database versions not stated): ExAC 0.00001; gnomAD 0.00001; gnomAD exomes 0.00001; TOPMed 0.00001; ESP Exome Variant Server 0.00008.
gnomAD v4.1: 18 of 1,614,058 alleles (0.0011%); highest among the groups gnomAD compares: Non-Finnish European, 0.0015%; no homozygotes.

Submission:

Labcorp Genetics (formerly Invitae), Labcorp
Classification: Uncertain significance. Last evaluated: 2023-05-01. Review status: criteria provided, single submitter. Criteria: Invitae Variant Classification Sherloc (09022015). Collection method: clinical testing. Allele origin: germline.
Comment: In summary, the available evidence is currently insufficient to determine the role of this variant in disease. Therefore, it has been classified as a Variant of Uncertain Significance. Advanced modeling of protein sequence and biophysical properties (such as structural, functional, and spatial information, amino acid conservation, physicochemical variation, residue mobility, and thermodynamic stability) performed at Invitae indicates that this missense variant is not expected to disrupt SGPL1 protein function. ClinVar contains an entry for this variant (Variation ID: 2414162). This variant has not been reported in the literature in individuals affected with SGPL1-related conditions. This variant is present in population databases (rs147607292, gnomAD 0.002%). This sequence change replaces lysine, which is basic and polar, with glutamic acid, which is acidic and polar, at codon 421 of the SGPL1 protein (p.Lys421Glu).